The following is an entry in ClinVar:

NM_013352.4(DSE):c.231G>A (p.Thr77=)

Gene: DSE (dermatan sulfate epimerase; plus strand). Cytogenetic location: 6q22.1.
Variant type: single nucleotide variant.
Coding change: c.231G>A on transcript NM_013352.4 (MANE Select); coding-DNA position 231, G replaced by A.
Protein change: p.Thr77=; no amino-acid change (threonine 77 retained).
Molecular consequence: synonymous variant. On other transcripts: 5 prime UTR variant (4), non-coding transcript variant (1).
Genome position (GRCh38, 1-based): chr6:116,399,481, G>A. VCF-style: chr6-116399481-G-A. GRCh37 (hg19) VCF-style: chr6-116720644-G-A.
Other names: c.231G>A, p.Thr77= (NM_001080976.3, NM_001322937.2, NM_001322938.2 and 3 more transcripts); c.288G>A, p.Thr96= (NM_001322939.2); c.-327G>A (NM_001322940.2, NM_001322941.2); c.-670G>A (NM_001374520.1); c.-357G>A (NM_001374521.1).
Identifiers: ClinVar variation 3051976 (VCV003051976.2), dbSNP rs9400910, ClinGen allele CA146391174.

ClinVar aggregate classification (germline): Likely benign (0 of 4 stars; one submission).

Conditions:
DSE-related disorder. Also called: DSE-related condition.

Allele frequency attached by ClinVar (database versions not stated): ESP Exome Variant Server 0.00008.
gnomAD v4.1: 3 of 1,614,218 alleles (0.00019%); highest among the groups gnomAD compares: Admixed American, 0.0017%; no homozygotes.

Submission:

PreventionGenetics, part of Exact Sciences
Classification: Likely benign for DSE-related condition. Last evaluated: 2023-06-30. Review status: no assertion criteria provided. Collection method: clinical testing. Allele origin: germline.
Comment: This variant is classified as likely benign based on ACMG/AMP sequence variant interpretation guidelines (Richards et al. 2015 PMID: 25741868, with internal and published modifications).